The following is an entry in ClinVar:

ClinVar aggregate classification (germline): Conflicting classifications of pathogenicity. Review status: criteria provided, conflicting classifications (1 of 4 stars). 3 submissions from 3 submitters: Likely pathogenic (1); Uncertain significance (1). 1 of the submissions does not count toward it. Last evaluated 2025-07-01.

Conditions:
Charcot-Marie-Tooth disease X-linked dominant 1. Also called: Charcot-Marie-Tooth Neuropathy X Type 1; X-linked Charcot-Marie-Tooth disease type 1; GJB1 Disorders: Charcot-Marie-Tooth Neuropathy (CMT1X) and Central Nervous System Phenotypes; CHARCOT-MARIE-TOOTH NEUROPATHY, X-LINKED, 1; CHARCOT-MARIE-TOOTH PERONEAL MUSCULAR ATROPHY, X-LINKED; HEREDITARY MOTOR AND SENSORY NEUROPATHY, X-LINKED. Identifiers: Orphanet 101075, MedGen C0393808, MONDO:0010549, OMIM 302800.
Charcot-Marie-Tooth disease. Also called: Charcot-Marie-Tooth Hereditary Neuropathy; Charcot-Marie-Tooth Neuropathy. Identifiers: Orphanet 166, MedGen C0007959, MONDO:0015626.

Submissions (3):

CeGaT Center for Human Genetics Tuebingen
Classification: Uncertain significance. Last evaluated: 2025-07-01. Review status: criteria provided, single submitter. Criteria: CeGaT Center For Human Genetics Tuebingen Variant Classification Criteria Version 2. Collection method: clinical testing. Allele origin: germline. Affected: yes. Observed: 1 variant allele.
Comment: GJB1: PM2, PS4:Moderate

Institute of Human Genetics, University Hospital of Duesseldorf
Classification: Likely pathogenic for Charcot-Marie-Tooth disease X-linked dominant 1. Review status: criteria provided, single submitter. Criteria: ACMG Guidelines, 2015. Collection method: not provided. Allele origin: germline. Inheritance: Autosomal dominant inheritance. Affected: yes.

Inherited Neuropathy Consortium
Classification: Uncertain significance for Charcot-Marie-Tooth disease. Review status: no assertion criteria provided. Collection method: literature only. Allele origin: germline. Affected: yes. Not counted in ClinVar's aggregate classification.

Literature cited by the submitters: PubMed 9888385 (cited by Inherited Neuropathy Consortium).

NM_000166.6(GJB1):c.127G>A (p.Val43Met)

Gene: GJB1 (gap junction protein beta 1; plus strand). Cytogenetic location: Xq13.1.
Variant type: single nucleotide variant.
Coding change: c.127G>A on transcript NM_000166.6 (MANE Select); coding-DNA position 127, G replaced by A.
Protein change: p.Val43Met; replaces valine 43 with methionine.
Molecular consequence: missense variant.
Genome position (GRCh38, 1-based): chrX:71,223,834, G>A. VCF-style: chrX-71223834-G-A. GRCh37 (hg19) VCF-style: chrX-70443684-G-A.
Other names: c.127G>A, p.Val43Met (NM_001097642.3); short protein forms V43M.
Identifiers: ClinVar variation 637206 (VCV000637206.10), dbSNP rs1602348804, ClinGen allele CA413501026.